The following is an entry in ClinVar:

NM_014806.5(RUSC2):c.3214G>A (p.Val1072Ile)

Gene: RUSC2 (RUN and SH3 domain containing 2; plus strand). Cytogenetic location: 9p13.3.
Variant type: single nucleotide variant.
Coding change: c.3214G>A on transcript NM_014806.5 (MANE Select); coding-DNA position 3214, G replaced by A.
Protein change: p.Val1072Ile; replaces valine 1072 with isoleucine.
Molecular consequence: missense variant. On other transcripts: non-coding transcript variant (1).
Genome position (GRCh38, 1-based): chr9:35,558,350, G>A. VCF-style: chr9-35558350-G-A. GRCh37 (hg19) VCF-style: chr9-35558347-G-A.
Other names: c.3214G>A, p.Val1072Ile (NM_001135999.2); c.580G>A, p.Val194Ile (NM_001330740.2); short protein forms V1072I, V194I.
Identifiers: ClinVar variation 2125802 (VCV002125802.4), dbSNP rs183728111, ClinGen allele CA5044081.

ClinVar aggregate classification (germline): Uncertain significance (1 of 4 stars; one submission).

Allele frequency attached by ClinVar (database versions not stated): ExAC 0.00001; 1000 Genomes Project 30x 0.00016; 1000 Genomes Project 0.00020.
gnomAD v4.1: 2 of 1,614,164 alleles (0.00012%); highest among the groups gnomAD compares: East Asian, 0.0022%; no homozygotes.

Submission:

Labcorp Genetics (formerly Invitae), Labcorp
Classification: Uncertain significance. Last evaluated: 2022-04-13. Review status: criteria provided, single submitter. Criteria: Invitae Variant Classification Sherloc (09022015). Collection method: clinical testing. Allele origin: germline.
Comment: In summary, the available evidence is currently insufficient to determine the role of this variant in disease. Therefore, it has been classified as a Variant of Uncertain Significance. Algorithms developed to predict the effect of missense changes on protein structure and function (SIFT, PolyPhen-2, Align-GVGD) all suggest that this variant is likely to be tolerated. This variant has not been reported in the literature in individuals affected with RUSC2-related conditions. This variant is not present in population databases (gnomAD no frequency). This sequence change replaces valine, which is neutral and non-polar, with isoleucine, which is neutral and non-polar, at codon 1072 of the RUSC2 protein (p.Val1072Ile).